The following is an entry in ClinVar:

NM_000282.4(PCCA):c.1937del (p.Glu645_Leu646insTer)

Gene: PCCA (propionyl-CoA carboxylase subunit alpha; plus strand). Cytogenetic location: 13q32.3.
Variant type: Deletion.
Coding change: c.1937del on transcript NM_000282.4 (MANE Select); coding-DNA position 1937, one base deleted (T; older notation c.1937delT).
Protein change: p.Glu645_Leu646insTer.
Molecular consequence: nonsense. On other transcripts: non-coding transcript variant (4), intron variant (2).
Genome position (GRCh38, 1-based): chr13:100,515,464, T deleted; the last of 2 consecutive T bases (chr13:100,515,463-100,515,464); deleting either gives the same sequence. VCF-style (leftmost placement, unchanged base first): chr13-100515462-AT-A. GRCh37 (hg19) VCF-style: chr13-101167716-AT-A.
Other names: c.1937del (NM_000282.3); c.1859del, p.Glu619_Leu620insTer (NM_001127692.3); c.1883del, p.Glu627_Leu628insTer (NM_001352605.2); c.1793del, p.Glu597_Leu598insTer (NM_001352606.2); c.1715del, p.Glu571_Leu572insTer (NM_001352608.2); c.992del, p.Glu330_Leu331insTer (NM_001352610.2); c.938del, p.Glu312_Leu313insTer (NM_001352611.2); c.848del, p.Glu282_Leu283insTer (NM_001352612.2); and 2 more.
Identifiers: ClinVar variation 3775200 (VCV003775200.2).

ClinVar aggregate classification (germline): Likely pathogenic. Review status: criteria provided, multiple submitters, no conflicts (2 of 4 stars). 2 submissions from 2 submitters: Likely pathogenic (2). Last evaluated 2026-01-21.

Conditions:
Propionic acidemia (PROP). Also called: GLYCINEMIA, KETOTIC; HYPERGLYCINEMIA WITH KETOACIDOSIS AND LEUKOPENIA; KETOTIC HYPERGLYCINEMIA. Identifiers: Orphanet 35, MedGen C0268579, MONDO:0011628, OMIM 606054, HP:0003571.

Submissions (2):

Natera, Inc.
Classification: Likely pathogenic for Propionic acidemia. Last evaluated: 2026-01-21. Review status: criteria provided, single submitter. Criteria: Natera Variant Classification Schema (03/2026). Collection method: clinical testing. Allele origin: germline.
Comment: The c.1937del variant in PCCA is a frameshift variant predicted to shift the reading frame and introduce a stop codon. This variant is expected to result in nonsense mediated decay, truncation, or a dysfunctional protein product. This variant is rare in the general population with a frequency below the threshold expected for the associated phenotype(s). Given the available evidence, this variant is classified as Likely Pathogenic.

3billion
Classification: Likely pathogenic for Propionic acidemia. Last evaluated: 2023-08-25. Review status: criteria provided, single submitter. Criteria: ACMG Guidelines, 2015. Collection method: clinical testing. Allele origin: germline. Affected: yes.
Comment: The variant is not observed in the gnomAD v2.1.1 dataset. Predicted Consequence/Location: Stop-gained (nonsense): predicted to result in a loss or disruption of normal protein function through nonsense-mediated decay (NMD) or protein truncation. Multiple pathogenic variants are reported downstream of the variant. Therefore, this variant is classified as Likely pathogenic according to the recommendation of ACMG/AMP guideline.